The following is an entry in ClinVar:

NM_000310.4(PPT1):c.770C>T (p.Pro257Leu)

Gene: PPT1 (palmitoyl-protein thioesterase 1; minus strand). Cytogenetic location: 1p34.2.
Variant type: single nucleotide variant.
Coding change: c.770C>T on transcript NM_000310.4 (MANE Select); coding-DNA position 770, C replaced by T.
Protein change: p.Pro257Leu; replaces proline 257 with leucine.
Molecular consequence: missense variant. On other transcripts: intron variant (1).
Genome position (GRCh38, 1-based): chr1:40,076,870, G>A on the plus strand (C>T on the coding strand, the complement: PPT1 is on the minus strand). VCF-style: chr1-40076870-G-A. GRCh37 (hg19) VCF-style: chr1-40542542-G-A.
Other names: c.461C>T, p.Pro154Leu (NM_001142604.2); c.726+1690C>T (NM_001363695.2); short protein forms P257L, P154L.
Identifiers: ClinVar variation 1507504 (VCV001507504.3), dbSNP rs2124470302, ClinGen allele CA339846412.

ClinVar aggregate classification (germline): Uncertain significance (1 of 4 stars; one submission).

Conditions:
Neuronal ceroid lipofuscinosis 1 (CLN1). Also called: PPT1-Related Neuronal Ceroid-Lipofuscinosis; CEROID LIPOFUSCINOSIS, NEURONAL, 1, VARIABLE AGE AT ONSET. Identifiers: Orphanet 228329, MedGen C1850451, MONDO:0009744, OMIM 256730.

gnomAD v4.1: 1 of 1,614,176 alleles (0.000062%); highest among the groups gnomAD compares: South Asian, 0.0011%; no homozygotes.

Submission:

Labcorp Genetics (formerly Invitae), Labcorp
Classification: Uncertain significance for Neuronal ceroid lipofuscinosis 1. Last evaluated: 2021-09-18. Review status: criteria provided, single submitter. Criteria: Invitae Variant Classification Sherloc (09022015). Collection method: clinical testing. Allele origin: germline.
Comment: This sequence change replaces proline with leucine at codon 257 of the PPT1 protein (p.Pro257Leu). The proline residue is moderately conserved and there is a moderate physicochemical difference between proline and leucine. This variant is not present in population databases (ExAC no frequency). This variant has not been reported in the literature in individuals affected with PPT1-related conditions. Advanced modeling of protein sequence and biophysical properties (such as structural, functional, and spatial information, amino acid conservation, physicochemical variation, residue mobility, and thermodynamic stability) performed at Invitae indicates that this missense variant is expected to disrupt PPT1 protein function. In summary, the available evidence is currently insufficient to determine the role of this variant in disease. Therefore, it has been classified as a Variant of Uncertain Significance.